The following is an entry in ClinVar:

NM_003742.4(ABCB11):c.1429G>T (p.Gly477Ter)

Gene: ABCB11 (ATP binding cassette subfamily B member 11; minus strand). Cytogenetic location: 2q31.1.
Variant type: single nucleotide variant.
Coding change: c.1429G>T on transcript NM_003742.4 (MANE Select); coding-DNA position 1429, G replaced by T.
Protein change: p.Gly477Ter; replaces glycine 477 with a stop codon.
Molecular consequence: nonsense.
Genome position (GRCh38, 1-based): chr2:168,973,720, C>A on the plus strand (G>T on the coding strand, the complement: ABCB11 is on the minus strand). VCF-style: chr2-168973720-C-A. GRCh37 (hg19) VCF-style: chr2-169830230-C-A.
Other names: short protein forms G477*.
Identifiers: ClinVar variation 1070782 (VCV001070782.8), dbSNP rs2105967839, ClinGen allele CA349116903.

ClinVar aggregate classification (germline): Pathogenic/Likely pathogenic. Review status: criteria provided, multiple submitters, no conflicts (2 of 4 stars). 2 submissions from 2 submitters: Pathogenic (1); Likely pathogenic (1). Last evaluated 2024-02-06.

Conditions:
Benign recurrent intrahepatic cholestasis type 2 (BRIC2). Also called: Recurrent familial intrahepatic cholestasis 2. Identifiers: Orphanet 65682, Orphanet 99961, MedGen C2608083, MONDO:0011559, OMIM 605479.

Submissions (2):

Baylor Genetics
Classification: Likely pathogenic for Benign recurrent intrahepatic cholestasis type 2. Last evaluated: 2024-02-06. Review status: criteria provided, single submitter. Criteria: ACMG Guidelines, 2015. Collection method: clinical testing. Allele origin: unknown.

Labcorp Genetics (formerly Invitae), Labcorp
Classification: Pathogenic. Last evaluated: 2020-03-18. Review status: criteria provided, single submitter. Criteria: Invitae Variant Classification Sherloc (09022015). Collection method: clinical testing. Allele origin: germline.
Comment: This sequence change creates a premature translational stop signal (p.Gly477*) in the ABCB11 gene. It is expected to result in an absent or disrupted protein product. This variant is not present in population databases (ExAC no frequency). This variant has not been reported in the literature in individuals with ABCB11-related conditions. Loss-of-function variants in ABCB11 are known to be pathogenic (PMID: 18395098, 20232290). For these reasons, this variant has been classified as Pathogenic.

Literature cited by the submitters: PubMed 18395098 (cited by Labcorp Genetics (formerly Invitae), Labcorp); PubMed 20232290 (cited by Labcorp Genetics (formerly Invitae), Labcorp).